The following is an entry in ClinVar:

ClinVar aggregate classification (germline): Uncertain significance (1 of 4 stars; one submission).

gnomAD v4.1: 1 of 1,212,124 alleles (0.000082%); highest among the groups gnomAD compares: Non-Finnish European, 0.00011%; no homozygotes.

Submission:

Dasa
Classification: Uncertain significance. Last evaluated: 2026-07-11. Review status: criteria provided, single submitter. Criteria: DASA Assertion Criteria. Collection method: clinical testing. Allele origin: germline.
Comment: NM_001031834.1(RAB40AL):c.743C>T (p.Thr248Ile) is a missense variant that results in the substitution of threonine with isoleucine. This variant is rare in population databases. Computational prediction algorithms are consistent with a benign effect. The currently available literature and clinical evidence are not sufficient to establish a definitive association between this variant and the reported condition. Therefore, this variant is classified as a variant of uncertain significance.

NM_001031834.1(RAB40AL):c.743C>T (p.Thr248Ile)

Genes: LINC00630 (long independently transcribed non-coding RNA 630; plus strand), RAB40AL (RAB40A like; plus strand). Cytogenetic location: Xq22.1.
Variant type: single nucleotide variant.
Coding change: c.743C>T on transcript NM_001031834.1 (MANE Select); coding-DNA position 743, C replaced by T.
Protein change: p.Thr248Ile; replaces threonine 248 with isoleucine.
Molecular consequence: missense variant.
Genome position (GRCh38, 1-based): chrX:102,938,061, C>T. VCF-style: chrX-102938061-C-T. GRCh37 (hg19) VCF-style: chrX-102192989-C-T.
Other names: short protein forms T248I.
Identifiers: ClinVar variation 5020202 (VCV005020202.1).